The following is an entry in ClinVar:

NM_003322.6(TULP1):c.896C>A (p.Ala299Asp)

Gene: TULP1 (TUB like protein 1; minus strand). Cytogenetic location: 6p21.31.
Variant type: single nucleotide variant.
Coding change: c.896C>A on transcript NM_003322.6 (MANE Select); coding-DNA position 896, C replaced by A.
Protein change: p.Ala299Asp; replaces alanine 299 with aspartic acid.
Molecular consequence: missense variant.
Genome position (GRCh38, 1-based): chr6:35,506,106, G>T on the plus strand (C>A on the coding strand, the complement: TULP1 is on the minus strand). VCF-style: chr6-35506106-G-T. GRCh37 (hg19) VCF-style: chr6-35473883-G-T.
Other names: c.737C>A, p.Ala246Asp (NM_001289395.2); short protein forms A299D, A246D.
Identifiers: ClinVar variation 2001187 (VCV002001187.1), dbSNP rs1367382876, ClinGen allele CA363780314.

ClinVar aggregate classification (germline): Uncertain significance (1 of 4 stars; one submission).

Allele frequency attached by ClinVar (database versions not stated): TOPMed below 0.00001.
gnomAD v4.1: 1 of 1,613,552 alleles (0.000062%); highest among the groups gnomAD compares: Non-Finnish European, 0.000085%; no homozygotes.

Submission:

Labcorp Genetics (formerly Invitae), Labcorp
Classification: Uncertain significance. Last evaluated: 2022-05-30. Review status: criteria provided, single submitter. Criteria: Invitae Variant Classification Sherloc (09022015). Collection method: clinical testing. Allele origin: germline.
Comment: This sequence change replaces alanine, which is neutral and non-polar, with aspartic acid, which is acidic and polar, at codon 299 of the TULP1 protein (p.Ala299Asp). This variant is not present in population databases (gnomAD no frequency). This variant has not been reported in the literature in individuals affected with TULP1-related conditions. Algorithms developed to predict the effect of missense changes on protein structure and function are either unavailable or do not agree on the potential impact of this missense change (SIFT: "Not Available"; PolyPhen-2: "Probably Damaging"; Align-GVGD: "Not Available"). In summary, the available evidence is currently insufficient to determine the role of this variant in disease. Therefore, it has been classified as a Variant of Uncertain Significance.